The following is an entry in ClinVar:

NM_002838.5(PTPRC):c.2519C>T (p.Ala840Val)

Gene: PTPRC (protein tyrosine phosphatase receptor type C; plus strand). Cytogenetic location: 1q32.1.
Variant type: single nucleotide variant.
Coding change: c.2519C>T on transcript NM_002838.5 (MANE Select); coding-DNA position 2519, C replaced by T.
Protein change: p.Ala840Val; replaces alanine 840 with valine.
Molecular consequence: missense variant.
Genome position (GRCh38, 1-based): chr1:198,741,984, C>T. VCF-style: chr1-198741984-C-T. GRCh37 (hg19) VCF-style: chr1-198711113-C-T.
Other names: c.2513C>T (NM_002838.3); c.2036C>T, p.Ala679Val (NM_080921.4); short protein forms A679V, A840V.
Identifiers: ClinVar variation 967317 (VCV000967317.7), dbSNP rs774612719, ClinGen allele CA1315133.

ClinVar aggregate classification (germline): Uncertain significance. Review status: criteria provided, multiple submitters, no conflicts (2 of 4 stars). 2 submissions from 2 submitters: Uncertain significance (2). Last evaluated 2025-05-25.

Conditions:
Inborn genetic diseases. Identifiers: MedGen C0950123, MeSH D030342.
Immunodeficiency 104. Also called: SCID, AUTOSOMAL RECESSIVE, T CELL-NEGATIVE, B CELL-POSITIVE, NK CELL-POSITIVE; IMMUNODEFICIENCY 104, SEVERE COMBINED; Severe Combined Immune Deficiency, Autosomal Recessive, TCell -Negative, B Cell-Positive, NK Cell-Positive, IL7R-Related; Severe combined immunodeficiency, autosomal recessive, T cell-negative, B cell-positive, NK cell-positive. Identifiers: MedGen C5676890, MONDO:0012163, OMIM 608971.

Allele frequency attached by ClinVar (database versions not stated): ExAC 0.00001; gnomAD 0.00001; TOPMed 0.00001; gnomAD exomes 0.00002 and 0.00003.
gnomAD v4.1: 23 of 1,611,856 alleles (0.0014%); highest among the groups gnomAD compares: Non-Finnish European, 0.0019%; no homozygotes.

Submissions (2):

Ambry Genetics
Classification: Uncertain significance for Inborn genetic diseases. Last evaluated: 2025-05-25. Review status: criteria provided, single submitter. Criteria: Ambry Variant Classification Scheme 2023. Collection method: clinical testing. Allele origin: germline.

Labcorp Genetics (formerly Invitae), Labcorp
Classification: Uncertain significance for Immunodeficiency 104. Last evaluated: 2022-07-06. Review status: criteria provided, single submitter. Criteria: Invitae Variant Classification Sherloc (09022015). Collection method: clinical testing. Allele origin: germline.
Comment: This sequence change replaces alanine, which is neutral and non-polar, with valine, which is neutral and non-polar, at codon 840 of the PTPRC protein (p.Ala840Val). This variant is present in population databases (rs774612719, gnomAD 0.005%). This variant has not been reported in the literature in individuals affected with PTPRC-related conditions. ClinVar contains an entry for this variant (Variation ID: 967317). Algorithms developed to predict the effect of missense changes on protein structure and function (SIFT, PolyPhen-2, Align-GVGD) all suggest that this variant is likely to be disruptive. In summary, the available evidence is currently insufficient to determine the role of this variant in disease. Therefore, it has been classified as a Variant of Uncertain Significance.